The following is an entry in ClinVar:

NM_005045.4(RELN):c.5620C>A (p.Pro1874Thr)

Gene: RELN (reelin; minus strand). Cytogenetic location: 7q22.1.
Variant type: single nucleotide variant.
Coding change: c.5620C>A on transcript NM_005045.4 (MANE Select); coding-DNA position 5620, C replaced by A.
Protein change: p.Pro1874Thr; replaces proline 1874 with threonine.
Molecular consequence: missense variant.
Genome position (GRCh38, 1-based): chr7:103,557,154, G>T on the plus strand (C>A on the coding strand, the complement: RELN is on the minus strand). VCF-style: chr7-103557154-G-T. GRCh37 (hg19) VCF-style: chr7-103197601-G-T.
Other names: c.5620C>A, p.Pro1874Thr (NM_173054.3); short protein forms P1874T.
Identifiers: ClinVar variation 1678274 (VCV001678274.2), dbSNP rs1830542433, ClinGen allele CA368742082.

ClinVar aggregate classification (germline): Uncertain significance. Review status: criteria provided, multiple submitters, no conflicts (2 of 4 stars). 2 submissions from 2 submitters: Uncertain significance (2). Last evaluated 2025-03-30.

Conditions:
Norman-Roberts syndrome (LIS2). Also called: Lissencephaly 2 (Norman-Roberts type). Identifiers: Orphanet 89844, MedGen C0796089, MONDO:0009760, OMIM 257320.
Familial temporal lobe epilepsy 7. Identifiers: Orphanet 101046, MedGen C4225327, MONDO:0014639, OMIM 616436.

Submissions (2):

Labcorp Genetics (formerly Invitae), Labcorp
Classification: Uncertain significance for Familial temporal lobe epilepsy 7; Norman-Roberts syndrome. Last evaluated: 2025-03-30. Review status: criteria provided, single submitter. Criteria: Invitae Variant Classification Sherloc (09022015). Collection method: clinical testing. Allele origin: germline.
Comment: This sequence change replaces proline, which is neutral and non-polar, with threonine, which is neutral and polar, at codon 1874 of the RELN protein (p.Pro1874Thr). This variant is not present in population databases (gnomAD no frequency). This variant has not been reported in the literature in individuals affected with RELN-related conditions. ClinVar contains an entry for this variant (Variation ID: 1678274). Invitae Evidence Modeling of protein sequence and biophysical properties (such as structural, functional, and spatial information, amino acid conservation, physicochemical variation, residue mobility, and thermodynamic stability) indicates that this missense variant is not expected to disrupt RELN protein function with a negative predictive value of 80%. In summary, the available evidence is currently insufficient to determine the role of this variant in disease. Therefore, it has been classified as a Variant of Uncertain Significance.

AiLife Diagnostics
Classification: Uncertain significance. Last evaluated: 2020-07-08. Review status: criteria provided, single submitter. Criteria: ACMG Guidelines, 2015. Collection method: clinical testing. Allele origin: germline. Affected: yes. Observed: 1 variant allele.